The following is an entry in ClinVar:

ClinVar aggregate classification (germline): Uncertain significance. Review status: criteria provided, multiple submitters, no conflicts (2 of 4 stars). 2 submissions from 2 submitters: Uncertain significance (2). Last evaluated 2025-10-07.

Conditions:
Gorlin syndrome. Also called: Nevoid Basal Cell Carcinoma Syndrome; Basal cell nevus syndrome. Identifiers: Orphanet 377, MedGen C0004779, MONDO:0007187.

Allele frequency attached by ClinVar (database versions not stated): gnomAD 0.00001; gnomAD exomes 0.00002 and 0.00003; TOPMed 0.00002; ExAC 0.00003; 1000 Genomes Project 30x 0.00016.
gnomAD v4.1: 14 of 1,613,836 alleles (0.00087%); highest among the groups gnomAD compares: South Asian, 0.0044%; no homozygotes.

Submissions (2):

Labcorp Genetics (formerly Invitae), Labcorp
Classification: Uncertain significance for Gorlin syndrome. Last evaluated: 2025-10-07. Review status: criteria provided, single submitter. Criteria: Invitae Variant Classification Sherloc (09022015). Collection method: clinical testing. Allele origin: germline.
Comment: This sequence change replaces isoleucine, which is neutral and non-polar, with threonine, which is neutral and polar, at codon 992 of the PTCH2 protein (p.Ile992Thr). This variant is present in population databases (rs776299795, gnomAD 0.006%). This variant has not been reported in the literature in individuals affected with PTCH2-related conditions. ClinVar contains an entry for this variant (Variation ID: 524560). An algorithm developed to predict the effect of missense changes on protein structure and function (PolyPhen-2) suggests that this variant is likely to be tolerated. In summary, the available evidence is currently insufficient to determine the role of this variant in disease. Therefore, it has been classified as a Variant of Uncertain Significance.

Ambry Genetics
Classification: Uncertain significance. Last evaluated: 2025-01-21. Review status: criteria provided, single submitter. Criteria: Ambry Variant Classification Scheme 2023. Collection method: clinical testing. Allele origin: germline.

NM_003738.5(PTCH2):c.2975T>C (p.Ile992Thr)

Gene: PTCH2 (patched 2; minus strand). Cytogenetic location: 1p34.1.
Variant type: single nucleotide variant.
Coding change: c.2975T>C on transcript NM_003738.5 (MANE Select); coding-DNA position 2975, T replaced by C.
Protein change: p.Ile992Thr; replaces isoleucine 992 with threonine.
Molecular consequence: missense variant.
Genome position (GRCh38, 1-based): chr1:44,826,489, A>G on the plus strand (T>C on the coding strand, the complement: PTCH2 is on the minus strand). VCF-style: chr1-44826489-A-G. GRCh37 (hg19) VCF-style: chr1-45292161-A-G.
Other names: c.2975T>C, p.Ile992Thr (NM_001166292.2); short protein forms I992T.
Identifiers: ClinVar variation 524560 (VCV000524560.11), dbSNP rs776299795, ClinGen allele CA822846.